The following is an entry in ClinVar:

NM_032043.3(BRIP1):c.486del (p.Pro163_Leu164insTer)

Gene: BRIP1 (BRCA1 interacting DNA helicase 1; minus strand). Cytogenetic location: 17q23.2.
Variant type: Deletion.
Coding change: c.486del on transcript NM_032043.3 (MANE Select); coding-DNA position 486, one base deleted (A; older notation c.486delA).
Protein change: p.Pro163_Leu164insTer.
Molecular consequence: frameshift variant.
Genome position (GRCh38, 1-based): chr17:61,849,150, T deleted on the plus strand (A on the coding strand, the reverse complement: BRIP1 is on the minus strand). VCF-style (leftmost placement, unchanged base first): chr17-61849149-GT-G. GRCh37 (hg19) VCF-style: chr17-59926510-GT-G.
Identifiers: ClinVar variation 3379278 (VCV003379278.1).

ClinVar aggregate classification (germline): Pathogenic (1 of 4 stars; one submission).

Conditions:
Familial cancer of breast. Also called: hereditary breast carcinoma; Hereditary breast cancer; BREAST CANCER, FAMILIAL. Identifiers: Orphanet 227535, MedGen C0346153, MONDO:0016419, OMIM 114480. Disease mechanism: loss of function.

Submission:

Myriad Genetics, Inc.
Classification: Pathogenic for Familial cancer of breast. Last evaluated: 2024-09-05. Review status: criteria provided, single submitter. Criteria: Myriad Autosomal Dominant, Autosomal Recessive and X-Linked Classification Criteria (2023). Collection method: clinical testing. Allele origin: unknown.
Comment: This variant is considered pathogenic. This variant creates a termination codon and is predicted to result in premature protein truncation.